The following is an entry in ClinVar:

NM_015100.4(POGZ):c.3251A>G (p.His1084Arg)

Gene: POGZ (pogo transposable element derived with ZNF domain; minus strand). Cytogenetic location: 1q21.3.
Variant type: single nucleotide variant.
Coding change: c.3251A>G on transcript NM_015100.4 (MANE Select); coding-DNA position 3251, A replaced by G.
Protein change: p.His1084Arg; replaces histidine 1084 with arginine.
Molecular consequence: missense variant.
Genome position (GRCh38, 1-based): chr1:151,405,784, T>C on the plus strand (A>G on the coding strand, the complement: POGZ is on the minus strand). VCF-style: chr1-151405784-T-C. GRCh37 (hg19) VCF-style: chr1-151378260-T-C.
Other names: c.3224A>G, p.His1075Arg (NM_001194937.2); c.3065A>G, p.His1022Arg (NM_001194938.2); c.3272A>G, p.His1091Arg (NM_001410860.1); c.2966A>G, p.His989Arg (NM_145796.4); c.3092A>G, p.His1031Arg (NM_207171.2); short protein forms H1022R, H1031R, H1075R, H1084R, H1091R, H989R.
Identifiers: ClinVar variation 3769825 (VCV003769825.1).
Genomic context (GRCh38, chr1:151,405,784, plus strand): 5'-AAGAGTCCTGCATTCTCTGCTACATCCTTAGGTAGGGTGTGGGCCACAGCTCGCCGGGCA[T>C]GGGGAGTCAGGTGGTGCCGCAGCATGAAACGCACAGCCCACTCATAGGAGATCTTAAACC-3'
Protein context (NP_055915.2, residues 1074-1094): RFMLRHHLTP[His1084Arg]ARRAVAHTLP

ClinVar aggregate classification (germline): Uncertain significance (1 of 4 stars; one submission).

gnomAD v4.1: 4 of 1,614,172 alleles (0.00025%); highest among the groups gnomAD compares: South Asian, 0.0022%; no homozygotes.

Submission:

GeneDx
Classification: Uncertain significance. Last evaluated: 2024-09-17. Review status: criteria provided, single submitter. Criteria: GeneDx Variant Classification Process June 2021. Collection method: clinical testing. Allele origin: germline. Affected: yes.
Comment: Functional studies indicate similar protein expression between H1084R and wild-type as well as rescued POGZ knockdown-mediated migration defects of neural stem cells to a level similar to wild-type (PMID: 32103003); In silico analysis indicates that this missense variant does not alter protein structure/function; This variant is associated with the following publications: (PMID: 32103003)